The following is an entry in ClinVar:

ClinVar aggregate classification (germline): Pathogenic. Review status: criteria provided, multiple submitters, no conflicts (2 of 4 stars). 6 submissions from 6 submitters: Pathogenic (6). Last evaluated 2025-09-18.

Conditions:
SLC12A3-related disorder. Also called: SLC12A3-related condition.
Familial hypokalemia-hypomagnesemia (GTLMNS). Also called: gitelman syndrome; POTASSIUM AND MAGNESIUM DEPLETION; HYPOMAGNESEMIA-HYPOKALEMIA, PRIMARY RENOTUBULAR, WITH HYPOCALCIURIA. Identifiers: Orphanet 358, MedGen C0268450, MONDO:0009904, OMIM 263800.

Allele frequency attached by ClinVar (database versions not stated): ExAC 0.00001; gnomAD exomes 0.00001; gnomAD 0.00003; TOPMed 0.00003.
gnomAD v4.1: 15 of 1,613,934 alleles (0.00093%); highest among the groups gnomAD compares: African/African-American, 0.0013%; no homozygotes.

Submissions (6):

Natera, Inc.
Classification: Pathogenic for Gitelman syndrome. Last evaluated: 2025-09-18. Review status: criteria provided, single submitter. Criteria: Natera Variant Classification Schema (03/2026). Collection method: clinical testing. Allele origin: germline.
Comment: The c.644T>C variant in SLC12A3 is a missense variant predicted to cause substitution of leucine to proline at amino acid 215. This variant is rare in the general population with a frequency below the threshold expected for the associated phenotype(s). This variant has been observed in one or more individuals affected with the associated recessive disease, as either homozygous or compound heterozygous with a second variant (PMID: 28700713, 21051746). Given the available evidence, this variant is classified as Pathogenic.

Blueprint Genetics
Classification: Pathogenic for SLC12A3-related disorders. Last evaluated: 2024-09-03. Review status: criteria provided, single submitter. Criteria: ACMG Guidelines, 2015. Collection method: clinical testing. Allele origin: germline. Affected: yes. Observed: 2 variant alleles.

Fulgent Genetics
Classification: Pathogenic for Familial hypokalemia-hypomagnesemia. Last evaluated: 2024-02-26. Review status: criteria provided, single submitter. Criteria: ACMG Guidelines, 2015. Collection method: clinical testing. Allele origin: germline.

Labcorp Genetics (formerly Invitae), Labcorp
Classification: Pathogenic. Last evaluated: 2024-01-19. Review status: criteria provided, single submitter. Criteria: Invitae Variant Classification Sherloc (09022015). Collection method: clinical testing. Allele origin: germline.
Comment: This sequence change replaces leucine, which is neutral and non-polar, with proline, which is neutral and non-polar, at codon 215 of the SLC12A3 protein (p.Leu215Pro). This variant is present in population databases (rs780594361, gnomAD 0.003%). This missense change has been observed in individuals with Gitelman syndrome (PMID: 9734597, 17329572, 21051746, 26121437). ClinVar contains an entry for this variant (Variation ID: 937539). Advanced modeling of protein sequence and biophysical properties (such as structural, functional, and spatial information, amino acid conservation, physicochemical variation, residue mobility, and thermodynamic stability) performed at Invitae indicates that this missense variant is expected to disrupt SLC12A3 protein function with a positive predictive value of 95%. Experimental studies have shown that this missense change affects SLC12A3 function (PMID: 12039972, 15102966). For these reasons, this variant has been classified as Pathogenic.

European Hospital Georges Pompidou Genetics Department, Assistance Publique - Hôpitaux de Paris AP-HP
Classification: Pathogenic for Familial hypokalemia-hypomagnesemia. Last evaluated: 2022-04-27. Review status: criteria provided, single submitter. Criteria: ACMG Guidelines, 2015. Collection method: clinical testing. Allele origin: germline. Affected: yes.
Comment: ACMG criteria used:PS3, PS4, PM2, PM3, PP3, PP5

Kasturba Medical College, Manipal, Kasturba Medical College, Manipal, Manipal Academy of Higher Education, Manipal, India
Classification: Pathogenic for Familial hypokalemia-hypomagnesemia. Review status: criteria provided, single submitter. Criteria: ACMG Guidelines, 2015. Collection method: research. Allele origin: maternal. Inheritance: Autosomal recessive inheritance. Affected: yes. Observed: 1 compound heterozygote.
Comment: This variant is present in fifteen individuals in heterozygous state and absent in homozygous state in gnomAD (v4.1.0). This variant is absent in our in-house database of 3565 exomes in homozygous and/or heterozygous state. In-silico analysis tools (REVEL and CADD_phred) predict the variant as disease-causing and likely to affect the SLC12A3 function.

Literature cited by the submitters: PubMed 28700713 (cited by Natera, Inc.); PubMed 21051746 (cited by Natera, Inc. and Labcorp Genetics (formerly Invitae), Labcorp); PubMed 9734597 (cited by Labcorp Genetics (formerly Invitae), Labcorp); PubMed 17329572 (cited by Labcorp Genetics (formerly Invitae), Labcorp and Kasturba Medical College, Manipal, Kasturba Medical College, Manipal, Manipal Academy of Higher Education, Manipal, India); PubMed 26121437 (cited by Labcorp Genetics (formerly Invitae), Labcorp); PubMed 12039972 (cited by Labcorp Genetics (formerly Invitae), Labcorp); PubMed 15102966 (cited by Labcorp Genetics (formerly Invitae), Labcorp).

NM_001126108.2(SLC12A3):c.644T>C (p.Leu215Pro)

Gene: SLC12A3 (solute carrier family 12 member 3; plus strand). Cytogenetic location: 16q13.
Variant type: single nucleotide variant.
Coding change: c.644T>C on transcript NM_001126108.2 (MANE Select); coding-DNA position 644, T replaced by C.
Protein change: p.Leu215Pro; replaces leucine 215 with proline.
Molecular consequence: missense variant.
Genome position (GRCh38, 1-based): chr16:56,870,138, T>C. VCF-style: chr16-56870138-T-C. GRCh37 (hg19) VCF-style: chr16-56904050-T-C.
Other names: c.644T>C, p.Leu215Pro (NM_000339.3); c.641T>C, p.Leu214Pro (NM_001126107.2); short protein forms L214P, L215P.
Identifiers: ClinVar variation 937539 (VCV000937539.15), dbSNP rs780594361, ClinGen allele CA8069135.